The following is an entry in ClinVar:

ClinVar aggregate classification (germline): Uncertain significance (1 of 4 stars; one submission).

Conditions:
Schuurs-Hoeijmakers syndrome. Also called: PACS1-Related Neurodevelopmental Disorder. Identifiers: Orphanet 329224, MedGen C3554343, MONDO:0014006, OMIM 615009.

Submission:

Victorian Clinical Genetics Services, Murdoch Childrens Research Institute
Classification: Uncertain significance for Schuurs-Hoeijmakers syndrome. Last evaluated: 2020-10-19. Review status: criteria provided, single submitter. Criteria: ACMG Guidelines, 2015. Collection method: clinical testing. Allele origin: germline. Inheritance: Autosomal dominant inheritance. Affected: yes.
Comment: Based on the classification scheme VCGS_Germline_v1.3.3, this variant is classified as VUS - 3B. Following criteria are met: 0104 - Dominant negative is a known mechanism of disease in this gene and is associated with Schuurs-Hoeijmakers syndrome (MIM#615009). A single recurring missense (p.Arg203Trp) has been reported to cause protein aggregation and protein trafficking defects (PMID: 23159249). (I) 0107 - This gene is associated with autosomal dominant disease. (I) 0200 - Variant is predicted to result in a missense amino acid change from asparagine to histidine. (I) 0251 - This variant is heterozygous. (I) 0301 - Variant is absent from gnomAD (both v2 and v3). (SP) 0502 - Missense variant with conflicting in silico predictions and uninformative conservation. (I) 0604 - Variant is not located in an established domain, motif, hotspot or informative constraint region. (I) 0705 - No comparable missense variants have previous evidence for pathogenicity. (I) 0807 - This variant has no previous evidence of pathogenicity. (I) 0905 - No published segregation evidence has been identified for this variant. (I) 1007 - No published functional evidence has been identified for this variant. (I) Legend: (SP) - Supporting pathogenic, (I) - Information, (SB) - Supporting benign

Literature cited by the submitters: PubMed 23159249.

NM_018026.4(PACS1):c.1129A>C (p.Asn377His)

Gene: PACS1 (phosphofurin acidic cluster sorting protein 1; plus strand). Cytogenetic location: 11q13.2.
Variant type: single nucleotide variant.
Coding change: c.1129A>C on transcript NM_018026.4 (MANE Select); coding-DNA position 1129, A replaced by C.
Protein change: p.Asn377His; replaces asparagine 377 with histidine.
Molecular consequence: missense variant.
Genome position (GRCh38, 1-based): chr11:66,220,721, A>C. VCF-style: chr11-66220721-A-C. GRCh37 (hg19) VCF-style: chr11-65988192-A-C.
Other names: short protein forms N377H.
Identifiers: ClinVar variation 1806115 (VCV001806115.1), dbSNP rs2495561210, ClinGen allele CA381356989.